The following is an entry in ClinVar:

ClinVar aggregate classification (germline): Uncertain significance. Review status: criteria provided, multiple submitters, no conflicts (2 of 4 stars). 2 submissions from 2 submitters: Uncertain significance (2). Last evaluated 2025-10-08.

Conditions:
Cardiovascular phenotype. Identifiers: MedGen CN230736.
Catecholaminergic polymorphic ventricular tachycardia 1. Also called: VENTRICULAR TACHYCARDIA, CATECHOLAMINERGIC POLYMORPHIC, 1, WITH OR WITHOUT ATRIAL DYSFUNCTION AND/OR DILATED CARDIOMYOPATHY; RYR2-Related Catecholaminergic Polymorphic Ventricular Tachycardia; VENTRICULAR TACHYCARDIA, STRESS-INDUCED POLYMORPHIC 1. Identifiers: Orphanet 3286, MedGen C1631597, MONDO:0011484, OMIM 604772.

Allele frequency attached by ClinVar (database versions not stated): TOPMed below 0.00001; gnomAD 0.00001; gnomAD exomes 0.00001.
gnomAD v4.1: 4 of 1,612,420 alleles (0.00025%); highest among the groups gnomAD compares: Non-Finnish European, 0.00034%; no homozygotes.

Submissions (2):

Labcorp Genetics (formerly Invitae), Labcorp
Classification: Uncertain significance for Catecholaminergic polymorphic ventricular tachycardia 1. Last evaluated: 2025-10-08. Review status: criteria provided, single submitter. Criteria: Invitae Variant Classification Sherloc (09022015). Collection method: clinical testing. Allele origin: germline.
Comment: This sequence change replaces arginine, which is basic and polar, with lysine, which is basic and polar, at codon 190 of the RYR2 protein (p.Arg190Lys). This variant is not present in population databases (gnomAD no frequency). This variant has not been reported in the literature in individuals affected with RYR2-related conditions. ClinVar contains an entry for this variant (Variation ID: 863943). Invitae Evidence Modeling of protein sequence and biophysical properties (such as structural, functional, and spatial information, amino acid conservation, physicochemical variation, residue mobility, and thermodynamic stability) indicates that this missense variant is expected to disrupt RYR2 protein function with a positive predictive value of 95%. In summary, the available evidence is currently insufficient to determine the role of this variant in disease. Therefore, it has been classified as a Variant of Uncertain Significance.

Ambry Genetics
Classification: Uncertain significance for Cardiovascular phenotype. Last evaluated: 2022-05-10. Review status: criteria provided, single submitter. Criteria: Ambry Variant Classification Scheme 2023. Collection method: clinical testing. Allele origin: germline.

NM_001035.3(RYR2):c.569G>A (p.Arg190Lys)

Gene: RYR2 (ryanodine receptor 2; plus strand). Cytogenetic location: 1q43.
Variant type: single nucleotide variant.
Coding change: c.569G>A on transcript NM_001035.3 (MANE Select); coding-DNA position 569, G replaced by A.
Protein change: p.Arg190Lys; replaces arginine 190 with lysine.
Molecular consequence: missense variant.
Genome position (GRCh38, 1-based): chr1:237,377,428, G>A. VCF-style: chr1-237377428-G-A. GRCh37 (hg19) VCF-style: chr1-237540728-G-A.
Other names: short protein forms R190K.
Identifiers: ClinVar variation 863943 (VCV000863943.12), dbSNP rs1237664259, ClinGen allele CA345375727.